The following is an entry in ClinVar:

NM_001365276.2(TNXB):c.3149-13_3149-12delinsAT

Gene: TNXB (tenascin XB; minus strand). Cytogenetic location: 6p21.33.
Variant type: Indel.
Coding change: c.3149-13_3149-12delinsAT on transcript NM_001365276.2 (MANE Select); 13 bases into the intron before coding-DNA position 3149 through 12 bases into the intron before coding-DNA position 3149, TC replaced by AT.
Molecular consequence: intron variant.
Genome position (GRCh38, 1-based): chr6:32,084,721-32,084,722, GA replaced by AT on the plus strand (TC replaced by AT on the coding strand, the reverse complement: TNXB is on the minus strand). VCF-style: chr6-32084721-GA-AT. GRCh37 (hg19) VCF-style: chr6-32052498-GA-AT.
Other names: c.3149-13_3149-12delinsAT (NM_019105.8).
Identifiers: ClinVar variation 1305716 (VCV001305716.2), dbSNP rs2127262404, ClinGen allele CA2573052671.

ClinVar aggregate classification (germline): Uncertain significance (1 of 4 stars; one submission).

Submission:

GeneDx
Classification: Uncertain significance. Last evaluated: 2019-05-03. Review status: criteria provided, single submitter. Criteria: GeneDx Variant Classification Process June 2021. Collection method: clinical testing. Allele origin: germline. Affected: yes.
Comment: Has not been previously published as pathogenic or benign to our knowledge; Not observed in large population cohorts (Lek et al., 2016); In-silico analysis, which includes splice predictors and evolutionary conservation, is inconclusive as to whether the variant alters gene splicing; in the absence of RNA/functional studies, the actual effect of this sequence change is unknown